The following is an entry in ClinVar:

NM_153676.4(USH1C):c.2586G>A (p.Pro862=)

Gene: USH1C (USH1 protein network component harmonin; minus strand). Cytogenetic location: 11p15.1.
Variant type: single nucleotide variant.
Coding change: c.2586G>A on transcript NM_153676.4 (MANE Select); coding-DNA position 2586, G replaced by A.
Protein change: p.Pro862=; no amino-acid change (proline 862 retained).
Molecular consequence: synonymous variant. On other transcripts: intron variant (11).
Genome position (GRCh38, 1-based): chr11:17,495,638, C>T on the plus strand (G>A on the coding strand, the complement: USH1C is on the minus strand). VCF-style: chr11-17495638-C-T. GRCh37 (hg19) VCF-style: chr11-17517185-C-T.
Other names: c.2586G>A (NM_153676.3); c.1589+1120G>A (NM_001297764.2); c.1376+1120G>A (NM_001440687.1); c.1775+1120G>A (NM_001440681.1); c.1591-1262G>A (NM_001440685.1); c.1646+1120G>A (NM_005709.4); c.1742+1120G>A (NM_001440682.1); c.1697+1120G>A (NM_001440683.1); and 4 more.
Identifiers: ClinVar variation 4527773 (VCV004527773.2).

ClinVar aggregate classification (germline): Conflicting classifications of pathogenicity. Review status: criteria provided, conflicting classifications (1 of 4 stars). 2 submissions from 2 submitters: Uncertain significance (1); Likely benign (1). Last evaluated 2025-04-30.

Conditions:
USH1C-related disorder. Also called: USH1C-related condition.

Submissions (2):

GeneDx
Classification: Uncertain significance. Last evaluated: 2025-04-30. Review status: criteria provided, single submitter. Criteria: GeneDx Variant Classification Process June 2021. Collection method: clinical testing. Allele origin: germline. Affected: yes.
Comment: In silico analysis indicates that this variant does not alter splicing; Has not been previously published as pathogenic or benign to our knowledge; Reported using an alternate transcript of the gene

PreventionGenetics, part of Exact Sciences
Classification: Likely benign for USH1C-related condition. Last evaluated: 2025-02-05. Review status: criteria provided, single submitter. Criteria: ACMG Guidelines, 2015. Collection method: clinical testing. Allele origin: germline.
Comment: This variant is classified as likely benign based on ACMG/AMP sequence variant interpretation guidelines (Richards et al. 2015 PMID: 25741868, with internal and published modifications).